The following is an entry in ClinVar:

ClinVar aggregate classification (germline): Conflicting classifications of pathogenicity. Review status: criteria provided, conflicting classifications (1 of 4 stars). 5 submissions from 5 submitters: Uncertain significance (3); Likely benign (1). 1 of the submissions does not count toward it. Last evaluated 2026-06-01.

Conditions:
CHD4-related disorder. Also called: CHD4-related condition.
Sifrim-Hitz-Weiss syndrome (SIHIWES). Also called: CHD4 Neurodevelopmental Disorder; SIFRIM-HITZ-WEISS MULTIPLE CONGENITAL ANOMALIES-MENTAL RETARDATION SYNDROME. Identifiers: Orphanet 653712, MedGen C4310688, MONDO:0014946, OMIM 617159.

gnomAD v4.1: 17 of 1,611,284 alleles (0.0011%); highest among the groups gnomAD compares: Middle Eastern, 0.18%; 1 homozygote.

Submissions (5):

CeGaT Center for Human Genetics Tuebingen
Classification: Uncertain significance. Last evaluated: 2026-06-01. Review status: criteria provided, single submitter. Criteria: CeGaT Center For Human Genetics Tuebingen Variant Classification Criteria Version 2. Collection method: clinical testing. Allele origin: germline. Affected: yes. Observed: 2 variant alleles.

Blueprint Genetics
Classification: Likely benign. Last evaluated: 2022-02-17. Review status: criteria provided, single submitter. Criteria: ACMG Guidelines, 2015. Collection method: clinical testing. Allele origin: germline.

Baylor Genetics
Classification: Uncertain significance for Sifrim-Hitz-Weiss syndrome. Last evaluated: 2019-11-27. Review status: criteria provided, single submitter. Criteria: ACMG Guidelines, 2015. Collection method: clinical testing. Allele origin: unknown. Affected: yes.
Comment: This variant was determined to be of uncertain significance according to ACMG Guidelines, 2015 [PMID:25741868].

Breakthrough Genomics
Classification: Uncertain significance. Review status: criteria provided, single submitter. Criteria: ACMG Guidelines, 2015. Collection method: not provided. Allele origin: germline. Inheritance: Autosomal dominant inheritance. Affected: yes.

PreventionGenetics, part of Exact Sciences
Classification: Uncertain significance for CHD4-related condition. Last evaluated: 2024-05-21. Review status: no assertion criteria provided. Collection method: clinical testing. Allele origin: germline. Not counted in ClinVar's aggregate classification.
Comment: The CHD4 c.4780T>C variant is predicted to result in the amino acid substitution p.Cys1594Arg. To our knowledge, this variant has not been reported in the literature or in a large population database, indicating this variant is rare. At this time, the clinical significance of this variant is uncertain due to the absence of conclusive functional and genetic evidence.

NM_001273.5(CHD4):c.4780T>C (p.Cys1594Arg)

Genes: CHD4 (chromodomain helicase DNA binding protein 4; minus strand), CHD4-AS1 (CHD4 antisense RNA 1; plus strand). Cytogenetic location: 12p13.31.
Variant type: single nucleotide variant.
Coding change: c.4780T>C on transcript NM_001273.5 (MANE Select); coding-DNA position 4780, T replaced by C.
Protein change: p.Cys1594Arg; replaces cysteine 1594 with arginine.
Molecular consequence: missense variant.
Genome position (GRCh38, 1-based): chr12:6,581,173, A>G on the plus strand (T>C on the coding strand, the complement: CHD4 is on the minus strand). VCF-style: chr12-6581173-A-G. GRCh37 (hg19) VCF-style: chr12-6690339-A-G.
Other names: c.4780T>C (NM_001273.3); c.4759T>C, p.Cys1587Arg (NM_001297553.2); c.4741T>C, p.Cys1581Arg (NM_001363606.2); short protein forms C1587R, C1594R, C1581R.
Identifiers: ClinVar variation 1030330 (VCV001030330.15), dbSNP rs1948181408, ClinGen allele CA383570657.